The following is an entry in ClinVar:

NM_078480.3(PUF60):c.1554G>A (p.Glu518=)

Gene: PUF60 (poly(U) binding splicing factor 60; minus strand). Cytogenetic location: 8q24.3.
Variant type: single nucleotide variant.
Coding change: c.1554G>A on transcript NM_078480.3 (MANE Select); coding-DNA position 1554, G replaced by A.
Protein change: p.Glu518=; no amino-acid change (glutamic acid 518 retained).
Molecular consequence: synonymous variant.
Genome position (GRCh38, 1-based): chr8:143,816,646, C>T on the plus strand (G>A on the coding strand, the complement: PUF60 is on the minus strand). VCF-style: chr8-143816646-C-T. GRCh37 (hg19) VCF-style: chr8-144898816-C-T.
Other names: c.1425G>A, p.Glu475= (NM_001136033.3); c.1500G>A, p.Glu500= (NM_001271096.2); c.1416G>A, p.Glu472= (NM_001271097.2); c.1551G>A, p.Glu517= (NM_001271098.2); c.1467G>A, p.Glu489= (NM_001271099.2); c.1374G>A, p.Glu458= (NM_001271100.2); c.1665G>A, p.Glu555= (NM_001362895.2, NM_001362896.2); c.1614G>A, p.Glu538= (NM_001362897.2); and 1 more.
Identifiers: ClinVar variation 3036484 (VCV003036484.2), dbSNP rs762422632, ClinGen allele CA187615561.

ClinVar aggregate classification (germline): Likely benign (0 of 4 stars; one submission).

Conditions:
PUF60-related disorder. Also called: PUF60-related condition.

Allele frequency attached by ClinVar (database versions not stated): gnomAD exomes 0.00001; gnomAD 0.00001; TOPMed below 0.00001; ExAC 0.00001.
gnomAD v4.1: 13 of 1,613,758 alleles (0.00081%); highest among the groups gnomAD compares: African/African-American, 0.0013%; no homozygotes.

Submission:

PreventionGenetics, part of Exact Sciences
Classification: Likely benign for PUF60-related condition. Last evaluated: 2020-06-29. Review status: no assertion criteria provided. Collection method: clinical testing. Allele origin: germline.
Comment: This variant is classified as likely benign based on ACMG/AMP sequence variant interpretation guidelines (Richards et al. 2015 PMID: 25741868, with internal and published modifications).